The following is an entry in ClinVar:

ClinVar aggregate classification (germline): Pathogenic/Likely pathogenic. Review status: criteria provided, multiple submitters, no conflicts (2 of 4 stars). 16 submissions from 15 submitters: Pathogenic (11); Likely pathogenic (1). 4 of the submissions do not count toward it. Last evaluated 2025-06-24.

Conditions:
Charcot-Marie-Tooth disease type 2Y. Also called: CHARCOT-MARIE-TOOTH DISEASE, AXONAL, AUTOSOMAL DOMINANT, TYPE 2Y; CHARCOT-MARIE-TOOTH NEUROPATHY, TYPE 2Y; Charcot-Marie-Tooth disease, axonal, type 2y. Identifiers: Orphanet 435387, MedGen C5569026, MONDO:0014735, OMIM 616687.
Frontotemporal dementia and/or amyotrophic lateral sclerosis 6 (FTDALS6). Also called: VCP-Related Amyotrophic Lateral Sclerosis/Frontotemporal Dementia; VCP-Related Amyotrophic Lateral Sclerosis. Identifiers: Orphanet 275872, Orphanet 803, MedGen C5436279, MONDO:0013501, OMIM 613954.
Inclusion body myopathy with Paget disease of bone and frontotemporal dementia type 1. Also called: MULTISYSTEM PROTEINOPATHY 1; Inclusion body myopathy with early-onset Paget disease and frontotemporal dementia 1; Inclusion body myopathy with early-onset Paget disease with or without frontotemporal dementia 1. Identifiers: MedGen C4551951, MONDO:0008178, OMIM 167320.
Inclusion body myopathy with Paget disease of bone and frontotemporal dementia. Also called: Inclusion body myopathy with early-onset Paget disease and frontotemporal dementia. Identifiers: Orphanet 52430, MedGen C1833662, MONDO:0000507.
VCP-related disorder. Also called: VCP-related condition; VCP-related disorders.

Allele frequency attached by ClinVar (database versions not stated): gnomAD exomes below 0.00001 and 0.00002.
gnomAD v4.1: 1 of 1,614,154 alleles (0.000062%); highest among the groups gnomAD compares: Non-Finnish European, 0.000085%; no homozygotes.

Submissions (16):

Labcorp Genetics (formerly Invitae), Labcorp
Classification: Pathogenic for Inclusion body myopathy with Paget disease of bone and frontotemporal dementia; Frontotemporal dementia and/or amyotrophic lateral sclerosis 6. Last evaluated: 2025-06-24. Review status: criteria provided, single submitter. Criteria: Invitae Variant Classification Sherloc (09022015). Collection method: clinical testing. Allele origin: germline.
Comment: This sequence change replaces arginine, which is basic and polar, with glutamine, which is neutral and polar, at codon 191 of the VCP protein (p.Arg191Gln). This variant is present in population databases (rs121909334, gnomAD 0.004%). This missense change has been observed in individuals with inclusion body myopathy with Paget’s disease of the bone and frontotemporal dementia (IBMPFD), facioscapulohumeral muscular dystrophy-like phenotype and amyotrophic lateral sclerosis (PMID: 15034582, 21145000, 21984748, 22900631). It has also been observed to segregate with disease in related individuals. ClinVar contains an entry for this variant (Variation ID: 8473). Invitae Evidence Modeling of protein sequence and biophysical properties (such as structural, functional, and spatial information, amino acid conservation, physicochemical variation, residue mobility, and thermodynamic stability) indicates that this missense variant is not expected to disrupt VCP protein function with a negative predictive value of 80%. Experimental studies have shown that this missense change affects VCP function (PMID: 19237541, 22270372, 23333620, 23498975, 24196964, 27226613). For these reasons, this variant has been classified as Pathogenic.

Dasa
Classification: Pathogenic. Last evaluated: 2024-05-09. Review status: criteria provided, single submitter. Criteria: DASA Assertion Criteria. Collection method: clinical testing. Allele origin: germline.
Comment: NM_007126.5(VCP):c.572G>A (p.Arg191Gln) is a missense variant that results in the substitution of arginine with glutamine. This variant has been recurrently observed in individuals with related phenotype (PMID: 15034582; PMID: 21145000; PMID: 22900631). Segregation evidence has been reported in affected families. Multiple computational predictions support a deleterious effect on the gene or gene product. The variant is present at low frequency in population datasets. Based on the available data, this variant is classified as pathogenic.

Blueprint Genetics
Classification: Pathogenic for VCP-related disorders. Last evaluated: 2023-12-01. Review status: criteria provided, single submitter. Criteria: ACMG Guidelines, 2015. Collection method: clinical testing. Allele origin: germline. Affected: yes. Observed: 1 variant allele.

Institute of Human Genetics Munich, TUM University Hospital
Classification: Pathogenic for Inclusion body myopathy with Paget disease of bone and frontotemporal dementia type 1. Last evaluated: 2023-10-16. Review status: criteria provided, single submitter. Criteria: Classification criteria August 2017. Collection method: clinical testing. Allele origin: germline. Inheritance: Autosomal dominant inheritance. Affected: yes. Observed: 1 variant allele.

Fulgent Genetics
Classification: Pathogenic for Inclusion body myopathy with Paget disease of bone and frontotemporal dementia type 1; Frontotemporal dementia and/or amyotrophic lateral sclerosis 6; Charcot-Marie-Tooth disease type 2Y. Last evaluated: 2021-11-30. Review status: criteria provided, single submitter. Criteria: ACMG Guidelines, 2015. Collection method: clinical testing. Allele origin: unknown.

Athena Diagnostics
Classification: Likely pathogenic. Last evaluated: 2020-02-27. Review status: criteria provided, single submitter. Criteria: Athena Diagnostics Criteria. Collection method: clinical testing. Allele origin: unknown.
Comment: The frequency of this variant in the general population is consistent with pathogenicity. Found in at least one patient with expected phenotype for this gene. Predicted to have a damaging effect on the protein. Assessment of experimental evidence suggests this variant results in abnormal protein function.

Mayo Clinic Laboratories, Mayo Clinic
Classification: Pathogenic. Last evaluated: 2019-12-27. Review status: criteria provided, single submitter. Criteria: ACMG Guidelines, 2015. Collection method: clinical testing. Allele origin: germline. Observed: 1 variant allele.
Comment: PS3, PS4, PP1

Revvity Omics, Revvity
Classification: Pathogenic. Last evaluated: 2019-07-12. Review status: criteria provided, single submitter. Criteria: ACMG Guidelines, 2015. Collection method: clinical testing. Allele origin: germline.

GeneDx
Classification: Pathogenic. Last evaluated: 2019-05-15. Review status: criteria provided, single submitter. Criteria: GeneDx Variant Classification Process June 2021. Collection method: clinical testing. Allele origin: germline. Affected: yes.
Comment: Published In vitro studies of R191Q expression support a damaging effect on protein function (Gitcho et al., 2009; Ludtmann et al., 2017); Not observed at a significant frequency in large population cohorts (Lek et al., 2016); This variant is associated with the following publications: (PMID: 29789581, 28364293, 27708273, 21145000, 15034582, 21984748, 19364651, 28564594, 28360103, 27226613, 23498975, 22270372, 24196964, 19237541, 23333620, 22900631, 30279455)

Eurofins Ntd Llc (ga)
Classification: Pathogenic. Last evaluated: 2018-07-05. Review status: criteria provided, single submitter. Criteria: EGL ClinVar v180209 classification definitions. Collection method: clinical testing. Allele origin: germline. Observed: 2 variant alleles, 2 heterozygotes.

Center of Genomic medicine, Geneva, University Hospital of Geneva
Classification: Pathogenic for Inclusion body myopathy with early-onset paget disease and frontotemporal dementia. Last evaluated: 2018-04-30. Review status: criteria provided, single submitter. Criteria: ACMG Guidelines, 2015. Collection method: clinical testing. Allele origin: germline. Affected: yes. Observed: 1 variant allele.

CeGaT Center for Human Genetics Tuebingen
Classification: Pathogenic. Last evaluated: 2017-04-01. Review status: criteria provided, single submitter. Criteria: CeGaT Center For Human Genetics Tuebingen Variant Classification Criteria Version 2. Collection method: clinical testing. Allele origin: germline. Affected: yes. Observed: 1 variant allele.

Solve-RD Consortium
Classification: Likely pathogenic for Frontotemporal dementia and/or amyotrophic lateral sclerosis 6. Last evaluated: 2022-06-01. Review status: no assertion criteria provided. Collection method: provider interpretation. Allele origin: inherited. Affected: yes. Not counted in ClinVar's aggregate classification.
Comment: Variant confirmed as disease-causing by referring clinical team

Variant identified during reanalysis of unsolved cases by the Solve-RD project. The Solve-RD project has received funding from the European Union’s Horizon 2020 research and innovation programme under grant agreement No 779257.

Institute of Human Genetics, Cologne University
Classification: Pathogenic for Frontotemporal dementia and/or amyotrophic lateral sclerosis 6. Last evaluated: 2018-04-25. Review status: no assertion criteria provided. Collection method: clinical testing. Allele origin: germline. Affected: yes. Not counted in ClinVar's aggregate classification.

OMIM
Classification: Pathogenic for INCLUSION BODY MYOPATHY WITH EARLY-ONSET PAGET DISEASE AND FRONTOTEMPORAL DEMENTIA 1. Last evaluated: 2012-01-01. Review status: no assertion criteria provided. Collection method: literature only. Allele origin: germline. Not counted in ClinVar's aggregate classification.

OMIM
Classification: Pathogenic for FRONTOTEMPORAL DEMENTIA AND/OR AMYOTROPHIC LATERAL SCLEROSIS 6. Last evaluated: 2012-01-01. Review status: no assertion criteria provided. Collection method: literature only. Allele origin: germline. Not counted in ClinVar's aggregate classification.

Literature cited by the submitters: PubMed 15034582 (cited by 5 submitters); PubMed 21145000 (cited by 5 submitters); PubMed 21984748 (cited by 5 submitters); PubMed 22900631 (cited by 4 submitters); PubMed 19237541 (cited by 3 submitters); PubMed 22270372 (cited by 3 submitters); PubMed 23333620 (cited by 3 submitters); PubMed 23498975 (cited by 3 submitters); PubMed 24196964 (cited by 3 submitters); PubMed 27226613 (cited by 3 submitters); PubMed 28692196 (cited by Athena Diagnostics); PubMed 26105173 (cited by Athena Diagnostics); PubMed 27708273 (cited by Athena Diagnostics and Mayo Clinic Laboratories, Mayo Clinic); PubMed 28360103 (cited by Athena Diagnostics and Mayo Clinic Laboratories, Mayo Clinic); PubMed 30279455 (cited by Athena Diagnostics and Mayo Clinic Laboratories, Mayo Clinic); PubMed 39825153 (cited by Solve-RD Consortium).

NM_007126.5(VCP):c.572G>A (p.Arg191Gln)

Gene: VCP (valosin containing protein; minus strand). Cytogenetic location: 9p13.3.
Variant type: single nucleotide variant.
Coding change: c.572G>A on transcript NM_007126.5 (MANE Select); coding-DNA position 572, G replaced by A.
Protein change: p.Arg191Gln; replaces arginine 191 with glutamine.
Molecular consequence: missense variant.
Genome position (GRCh38, 1-based): chr9:35,065,255, C>T on the plus strand (G>A on the coding strand, the complement: VCP is on the minus strand). VCF-style: chr9-35065255-C-T. GRCh37 (hg19) VCF-style: chr9-35065252-C-T.
Other names: c.437G>A, p.Arg146Gln (NM_001354927.2, NM_001354928.2); short protein forms R191Q, R146Q.
Identifiers: ClinVar variation 8473 (VCV000008473.72), dbSNP rs121909334, ClinGen allele CA254406.
Genomic context (GRCh38, chr9:35,065,255, plus strand): 5'-TGATGCCACACTGAGTAATCATAAAATCGGATACTGGAATCAGGGAGAAAACTCACCTCT[C>T]GTTTGATAGGCTCCCCTTCGCAGTGGATCACTGTGTCTGGAGCAACAATGCAATAAGGGC-3'
Protein context (NP_009057.1, residues 181-201): VIHCEGEPIK[Arg191Gln]EDEEESLNEV